The following is an entry in ClinVar:

NM_005634.3(SOX3):c.726_743dup (p.Ala248_Ser249insAlaAlaAlaAlaAlaAla)

Gene: SOX3 (SRY-box transcription factor 3; minus strand). Cytogenetic location: Xq27.1.
Variant type: Duplication.
Coding change: c.726_743dup on transcript NM_005634.3 (MANE Select); coding-DNA positions 726 to 743, 18 bases duplicated (GGCCGCAGCCGCTGCCGC).
Protein change: p.Ala248_Ser249insAlaAlaAlaAlaAlaAla.
Molecular consequence: inframe insertion.
Genome position (GRCh38, 1-based): chrX:140,504,318-140,504,335, GCGGCAGCGGCTGCGGCC duplicated on the plus strand (GGCCGCAGCCGCTGCCGC on the coding strand, the reverse complement: SOX3 is on the minus strand); duplicating any 18 consecutive bases within chrX:140,504,318-140,504,346 gives the same sequence; the c. name uses the placement nearest the transcript's 3' end. VCF-style (leftmost placement, unchanged base first): chrX-140504317-G-GGCGGCAGCGGCTGCGGCC. GRCh37 (hg19) VCF-style: chrX-139586482-G-GGCGGCAGCGGCTGCGGCC.
Identifiers: ClinVar variation 5007512 (VCV005007512.2).

ClinVar aggregate classification (germline): Uncertain significance (1 of 4 stars; one submission).

Conditions:
Intellectual developmental disorder, X-linked, with panhypopituitarism. Also called: Intellectual disability, X-linked, with panhypopituitarism. Identifiers: MedGen C2678223, MONDO:0010252, OMIM 300123.
Panhypopituitarism, X-linked (PHPX). Also called: PITUITARY DWARFISM IV. Identifiers: MedGen C0342376, MONDO:0010712, OMIM 312000.

Submission:

Juno Genomics, Hangzhou Juno Genomics, Inc
Classification: Uncertain significance for Intellectual developmental disorder, X-linked, with panhypopituitarism; Panhypopituitarism, X-linked. Review status: criteria provided, single submitter. Criteria: ACMG Guidelines, 2015. Collection method: clinical testing. Allele origin: germline.
Comment: Absent from controls (or at extremely low frequency if recessive) in Genome Aggregation Database.;Protein length changes due to in-frame deletions/insertions in a non-repeat region or stop-loss variants.